The following is an entry in ClinVar:

NM_001323289.2(CDKL5):c.1799G>T (p.Ser600Ile)

Gene: CDKL5 (cyclin dependent kinase like 5; plus strand). Cytogenetic location: Xp22.13.
Variant type: single nucleotide variant.
Coding change: c.1799G>T on transcript NM_001323289.2 (MANE Select); coding-DNA position 1799, G replaced by T.
Protein change: p.Ser600Ile; replaces serine 600 with isoleucine.
Molecular consequence: missense variant.
Genome position (GRCh38, 1-based): chrX:18,604,723, G>T. VCF-style: chrX-18604723-G-T. GRCh37 (hg19) VCF-style: chrX-18622843-G-T.
Other names: c.1799G>T, p.Ser600Ile (NM_001037343.2, NM_003159.3); short protein forms S600I.
Identifiers: ClinVar variation 1522909 (VCV001522909.8), dbSNP rs2147161196, ClinGen allele CA412362819.

ClinVar aggregate classification (germline): Uncertain significance (1 of 4 stars; one submission).

Conditions:
Angelman syndrome-like. Identifiers: MedGen CN128785.
Developmental and epileptic encephalopathy, 2 (DEE2). Also called: INFANTILE SPASM SYNDROME, X-LINKED 2; CDKL5 deficiency disorder. Identifiers: Orphanet 1934, Orphanet 3451, Orphanet 505652, MedGen C4750718, MONDO:0010396, OMIM 300672.

Submission:

Labcorp Genetics (formerly Invitae), Labcorp
Classification: Uncertain significance for Developmental and epileptic encephalopathy, 2; Angelman syndrome-like. Last evaluated: 2020-11-04. Review status: criteria provided, single submitter. Criteria: Invitae Variant Classification Sherloc (09022015). Collection method: clinical testing. Allele origin: germline.
Comment: In summary, the available evidence is currently insufficient to determine the role of this variant in disease. Therefore, it has been classified as a Variant of Uncertain Significance. Advanced modeling of protein sequence and biophysical properties (such as structural, functional, and spatial information, amino acid conservation, physicochemical variation, residue mobility, and thermodynamic stability) performed at Invitae indicates that this missense variant is not expected to disrupt CDKL5 protein function. This variant has not been reported in the literature in individuals with CDKL5-related conditions. This variant is not present in population databases (ExAC no frequency). This sequence change replaces serine with isoleucine at codon 600 of the CDKL5 protein (p.Ser600Ile). The serine residue is highly conserved and there is a large physicochemical difference between serine and isoleucine.